The following is an entry in ClinVar:

NM_138694.4(PKHD1):c.10717G>C (p.Glu3573Gln)

Gene: PKHD1 (PKHD1 ciliary IPT domain containing fibrocystin/polyductin; minus strand). Cytogenetic location: 6p12.3.
Variant type: single nucleotide variant.
Coding change: c.10717G>C on transcript NM_138694.4 (MANE Select); coding-DNA position 10717, G replaced by C.
Protein change: p.Glu3573Gln; replaces glutamic acid 3573 with glutamine.
Molecular consequence: missense variant.
Genome position (GRCh38, 1-based): chr6:51,659,409, C>G on the plus strand (G>C on the coding strand, the complement: PKHD1 is on the minus strand). VCF-style: chr6-51659409-C-G. GRCh37 (hg19) VCF-style: chr6-51524207-C-G.
Other names: short protein forms E3573Q.
Identifiers: ClinVar variation 1015003 (VCV001015003.13), dbSNP rs1772450315, ClinGen allele CA364432700.

ClinVar aggregate classification (germline): Uncertain significance. Review status: criteria provided, single submitter (1 of 4 stars). 2 submissions from 2 submitters: Uncertain significance (1). 1 of the submissions does not count toward it. Last evaluated 2022-04-06.

Conditions:
Autosomal recessive polycystic kidney disease (ARPKD). Also called: AR polycystic kidney disease. Identifiers: Orphanet 731, Orphanet 8378, MedGen C0085548, MeSH D017044, MONDO:0009889.

gnomAD v4.1: 1 of 1,613,638 alleles (0.000062%); highest among the groups gnomAD compares: South Asian, 0.0011%; no homozygotes.

Submissions (2):

Labcorp Genetics (formerly Invitae), Labcorp
Classification: Uncertain significance for Autosomal recessive polycystic kidney disease. Last evaluated: 2022-04-06. Review status: criteria provided, single submitter. Criteria: Invitae Variant Classification Sherloc (09022015). Collection method: clinical testing. Allele origin: germline.
Comment: This sequence change replaces glutamic acid, which is acidic and polar, with glutamine, which is neutral and polar, at codon 3573 of the PKHD1 protein (p.Glu3573Gln). This variant is not present in population databases (gnomAD no frequency). This variant has not been reported in the literature in individuals affected with PKHD1-related conditions. ClinVar contains an entry for this variant (Variation ID: 1015003). Advanced modeling of protein sequence and biophysical properties (such as structural, functional, and spatial information, amino acid conservation, physicochemical variation, residue mobility, and thermodynamic stability) performed at Invitae indicates that this missense variant is not expected to disrupt PKHD1 protein function. In summary, the available evidence is currently insufficient to determine the role of this variant in disease. Therefore, it has been classified as a Variant of Uncertain Significance.

Natera, Inc.
Classification: Uncertain significance for Autosomal recessive polycystic kidney disease. Last evaluated: 2020-08-12. Review status: no assertion criteria provided. Collection method: clinical testing. Allele origin: germline. Not counted in ClinVar's aggregate classification.